The following is an entry in ClinVar:

NM_170601.5(SIAE):c.544G>A (p.Glu182Lys)

Gene: SIAE (sialic acid acetylesterase; minus strand). Cytogenetic location: 11q24.2.
Variant type: single nucleotide variant.
Coding change: c.544G>A on transcript NM_170601.5 (MANE Select); coding-DNA position 544, G replaced by A.
Protein change: p.Glu182Lys; replaces glutamic acid 182 with lysine.
Molecular consequence: missense variant.
Genome position (GRCh38, 1-based): chr11:124,654,655, C>T on the plus strand (G>A on the coding strand, the complement: SIAE is on the minus strand). VCF-style: chr11-124654655-C-T. GRCh37 (hg19) VCF-style: chr11-124524551-C-T.
Other names: c.439G>A, p.Glu147Lys (NM_001199922.2); short protein forms E147K, E182K.
Identifiers: ClinVar variation 4808926 (VCV004808926.1).

ClinVar aggregate classification (germline): Uncertain significance (1 of 4 stars; one submission).

gnomAD v4.1: 6 of 1,614,120 alleles (0.00037%); highest among the groups gnomAD compares: Middle Eastern, 0.017%; no homozygotes.

Submission:

Labcorp Genetics (formerly Invitae), Labcorp
Classification: Uncertain significance. Last evaluated: 2025-09-03. Review status: criteria provided, single submitter. Criteria: Invitae Variant Classification Sherloc (09022015). Collection method: clinical testing. Allele origin: germline.
Comment: This sequence change replaces glutamic acid, which is acidic and polar, with lysine, which is basic and polar, at codon 182 of the SIAE protein (p.Glu182Lys). This variant also falls at the last nucleotide of exon 4, which is part of the consensus splice site for this exon. This variant is not present in population databases (gnomAD no frequency). This variant has not been reported in the literature in individuals affected with SIAE-related conditions. An algorithm developed to predict the effect of missense changes on protein structure and function outputs the following: PolyPhen-2: "Benign". The lysine amino acid residue is found in multiple mammalian species, which suggests that this missense change does not adversely affect protein function. Variants that disrupt the consensus splice site are a relatively common cause of aberrant splicing (PMID: 17576681, 9536098). In summary, the available evidence is currently insufficient to determine the role of this variant in disease. Therefore, it has been classified as a Variant of Uncertain Significance.

Literature cited by the submitters: PubMed 17576681; PubMed 9536098.